The following is an entry in ClinVar:

NM_001365951.3(KIF1B):c.2501A>G (p.Asn834Ser)

Gene: KIF1B (kinesin family member 1B; plus strand). Cytogenetic location: 1p36.22.
Variant type: single nucleotide variant.
Coding change: c.2501A>G on transcript NM_001365951.3 (MANE Select); coding-DNA position 2501, A replaced by G.
Protein change: p.Asn834Ser; replaces asparagine 834 with serine.
Molecular consequence: missense variant.
Genome position (GRCh38, 1-based): chr1:10,324,026, A>G. VCF-style: chr1-10324026-A-G. GRCh37 (hg19) VCF-style: chr1-10384084-A-G.
Other names: c.2501A>G, p.Asn834Ser (NM_001365952.1); c.2363A>G, p.Asn788Ser (NM_015074.3); short protein forms N834S, N788S.
Identifiers: ClinVar variation 3288377 (VCV003288377.2).

ClinVar aggregate classification (germline): Uncertain significance. Review status: criteria provided, multiple submitters, no conflicts (2 of 4 stars). 2 submissions from 2 submitters: Uncertain significance (2). Last evaluated 2024-04-01.

Conditions:
Neuroblastoma, susceptibility to, 1. Identifiers: MedGen C2749485, MONDO:0009741, OMIM 256700.
Charcot-Marie-Tooth disease type 2A1. Also called: CHARCOT-MARIE-TOOTH DISEASE, AXONAL, TYPE 2A1; CHARCOT-MARIE-TOOTH DISEASE, AXONAL, AUTOSOMAL DOMINANT, TYPE 2A1; CHARCOT-MARIE-TOOTH DISEASE, NEURONAL, TYPE 2A1; CHARCOT-MARIE-TOOTH NEUROPATHY, TYPE 2A1; HEREDITARY MOTOR AND SENSORY NEUROPATHY IIA1. Identifiers: Orphanet 99946, MedGen C1861678, MONDO:0007308, OMIM 118210.

gnomAD v4.1: 1 of 1,614,180 alleles (0.000062%); highest among the groups gnomAD compares: Non-Finnish European, 0.000085%; no homozygotes.

Submissions (2):

Ambry Genetics
Classification: Uncertain significance. Last evaluated: 2024-04-01. Review status: criteria provided, single submitter. Criteria: Ambry Variant Classification Scheme 2023. Collection method: clinical testing. Allele origin: germline.
Comment: The p.N788S variant (also known as c.2363A>G), located in coding exon 22 of the KIF1B gene, results from an A to G substitution at nucleotide position 2363. The asparagine at codon 788 is replaced by serine, an amino acid with highly similar properties. This amino acid position is conserved. In addition, this alteration is predicted to be tolerated by in silico analysis. Based on the available evidence, the clinical significance of this alteration remains unclear.

Fulgent Genetics
Classification: Uncertain significance for Charcot-Marie-Tooth disease type 2A1; Neuroblastoma, susceptibility to, 1. Last evaluated: 2024-03-14. Review status: criteria provided, single submitter. Criteria: ACMG Guidelines, 2015. Collection method: clinical testing. Allele origin: germline.